The following is an entry in ClinVar:

NM_000532.5(PCCB):c.1538_1540dup (p.Ala513_Arg514insPro)

Gene: PCCB (propionyl-CoA carboxylase subunit beta; plus strand). Cytogenetic location: 3q22.3.
Variant type: Duplication.
Coding change: c.1538_1540dup on transcript NM_000532.5 (MANE Select); coding-DNA positions 1538 to 1540, 3 bases duplicated (CCC; older notation c.1538_1540dupCCC).
Protein change: p.Ala513_Arg514insPro.
Molecular consequence: inframe insertion.
Genome position (GRCh38, 1-based): chr3:136,329,944-136,329,946, CCC duplicated. VCF-style (leftmost placement, unchanged base first): chr3-136329943-G-GCCC. GRCh37 (hg19) VCF-style: chr3-136048785-G-GCCC.
Other names: c.1538_1540dupCCC (NM_000532.5); c.1598_1600dup, p.Ala533_Arg534insPro (NM_001178014.2).
Identifiers: ClinVar variation 12017 (VCV000012017.5), dbSNP rs202247821, ClinGen allele CA341175.
Genomic context (GRCh38, chr3:136,329,943, plus strand): 5'-TCCCTTTTCTGTGCTTCACCAGGGTTTGTGGATGACATCATCCAACCTTCTTCCACACGT[G>GCCC]CCCGAATCTGCTGTGACCTGGATGTCTTGGCCAGCAAGAAGGTACAACGTCCTTGGAGAA-3'

ClinVar aggregate classification (germline): Pathogenic. Review status: criteria provided, single submitter (1 of 4 stars). 3 submissions from 3 submitters: Pathogenic (1). 2 of the submissions do not count toward it. Last evaluated 2025-03-27.

Conditions:
Propionic acidemia (PROP). Also called: GLYCINEMIA, KETOTIC; HYPERGLYCINEMIA WITH KETOACIDOSIS AND LEUKOPENIA; KETOTIC HYPERGLYCINEMIA. Identifiers: Orphanet 35, MedGen C0268579, MONDO:0011628, OMIM 606054, HP:0003571.

Submissions (3):

Women's Health and Genetics/Laboratory Corporation of America, LabCorp
Classification: Pathogenic for Propionic acidemia. Last evaluated: 2025-03-27. Review status: criteria provided, single submitter. Criteria: LabCorp Variant Classification Summary - May 2015. Collection method: clinical testing. Allele origin: germline.
Comment: Variant summary: PCCB c.1538_1540dupCCC (p.Ala513_Arg514insPro) results in an in-frame insertion that is predicted to insert one amino acid into the encoded protein. The variant was absent in 251258 control chromosomes. c.1538_1540dupCCC has been reported in the literature in the homozygous state in multiple individuals affected with Propionic Acidemia (Ravn_2000). These data indicate that the variant is very likely to be associated with disease. At least one publication reports experimental evidence showing that this variant results in absent PCC activity in e. coli (Ravn_2000). The following publication have been ascertained in the context of this evaluation (PMID: 10820128). ClinVar contains an entry for this variant (Variation ID: 12017). Based on the evidence outlined above, the variant was classified as pathogenic.

OMIM
Classification: Pathogenic for PROPIONIC ACIDEMIA. Last evaluated: 2000-07-01. Review status: no assertion criteria provided. Collection method: literature only. Allele origin: germline. Not counted in ClinVar's aggregate classification.

GeneReviews
No classification provided. Condition: Propionic acidemia. Review status: no classification provided. Collection method: literature only. Allele origin: unknown. Not counted in ClinVar's aggregate classification.

Literature cited by the submitters: PubMed 10820128 (cited by Women's Health and Genetics/Laboratory Corporation of America, LabCorp and OMIM); PubMed 22593918 (cited by GeneReviews); NCBI Bookshelf NBK92946 (cited by GeneReviews).